The following is an entry in ClinVar:

NM_001206744.2(TPO):c.1581G>T (p.Trp527Cys)

Gene: TPO (thyroid peroxidase; plus strand). Cytogenetic location: 2p25.3.
Variant type: single nucleotide variant.
Coding change: c.1581G>T on transcript NM_001206744.2 (MANE Select); coding-DNA position 1581, G replaced by T.
Protein change: p.Trp527Cys; replaces tryptophan 527 with cysteine.
Molecular consequence: missense variant.
Genome position (GRCh38, 1-based): chr2:1,484,838, G>T. VCF-style: chr2-1484838-G-T. GRCh37 (hg19) VCF-style: chr2-1488610-G-T.
Other names: c.1581G>T, p.Trp527Cys (NM_000547.6, NM_001206745.2, NM_175719.4 and 1 more transcripts); c.1062G>T, p.Trp354Cys (NM_175722.3); short protein forms W354C, W527C.
Identifiers: ClinVar variation 2734128 (VCV002734128.3), dbSNP rs779434941, ClinGen allele CA1511757.

ClinVar aggregate classification (germline): Pathogenic (1 of 4 stars; one submission).

Allele frequency attached by ClinVar (database versions not stated): TOPMed below 0.00001; gnomAD 0.00003; gnomAD exomes 0.00003; ExAC 0.00011.
gnomAD v4.1: 50 of 1,613,810 alleles (0.0031%); highest among the groups gnomAD compares: Non-Finnish European, 0.0024%; no homozygotes.

Submission:

Labcorp Genetics (formerly Invitae), Labcorp
Classification: Pathogenic. Last evaluated: 2023-03-18. Review status: criteria provided, single submitter. Criteria: Invitae Variant Classification Sherloc (09022015). Collection method: clinical testing. Allele origin: germline.
Comment: For these reasons, this variant has been classified as Pathogenic. This sequence change replaces tryptophan, which is neutral and slightly polar, with cysteine, which is neutral and slightly polar, at codon 527 of the TPO protein (p.Trp527Cys). This variant is present in population databases (rs779434941, gnomAD 0.02%). This missense change has been observed in individual(s) with clinical features of thyroid dyshormonogenesis (PMID: 11061528, 19243353, 28867693, 30240412). In at least one individual the data is consistent with being in trans (on the opposite chromosome) from a pathogenic variant. It has also been observed to segregate with disease in related individuals. Advanced modeling of protein sequence and biophysical properties (such as structural, functional, and spatial information, amino acid conservation, physicochemical variation, residue mobility, and thermodynamic stability) has been performed at Invitae for this missense variant, however the output from this modeling did not meet the statistical confidence thresholds required to predict the impact of this variant on TPO protein function. Experimental studies have shown that this missense change affects TPO function (PMID: 28867693).

Literature cited by the submitters: PubMed 11061528; PubMed 19243353; PubMed 28867693; PubMed 30240412.